The following is an entry in ClinVar:

NM_000540.3(RYR1):c.10119G>A (p.Val3373=)

Gene: RYR1 (ryanodine receptor 1; plus strand). Cytogenetic location: 19q13.2.
Variant type: single nucleotide variant.
Coding change: c.10119G>A on transcript NM_000540.3 (MANE Select); coding-DNA position 10119, G replaced by A.
Protein change: p.Val3373=; no amino-acid change (valine 3373 retained).
Molecular consequence: synonymous variant.
Genome position (GRCh38, 1-based): chr19:38,519,314, G>A. VCF-style: chr19-38519314-G-A. GRCh37 (hg19) VCF-style: chr19-39009954-G-A.
Other names: c.10119G>A, p.Val3373= (NM_001042723.2).
Identifiers: ClinVar variation 93238 (VCV000093238.67), dbSNP rs140689610, ClinGen allele CA023817.

ClinVar aggregate classification (germline): Conflicting classifications of pathogenicity. Review status: criteria provided, conflicting classifications (1 of 4 stars). 15 submissions from 14 submitters: Uncertain significance (2); Benign (1); Likely benign (9). 3 of the submissions do not count toward it. Last evaluated 2026-07-01.

Conditions:
RYR1-related disorder. Also called: RYR1-related disorders; RYR1-related condition. Identifiers: MedGen CN239331.
Inborn genetic diseases. Identifiers: MedGen C0950123, MeSH D030342.
Malignant hyperthermia, susceptibility to, 1 (MHS1). Also called: RYR1-Related Malignant Hyperthermia Susceptibility; Anesthesia related hyperthermia; Malignant hyperpyrexia; Fulminating hyperpyrexia; Pharmacogenic myopathy; Malignant hyperthermia suceptibility 1. Identifiers: Orphanet 423, MedGen C2930980, MONDO:0007783, OMIM 145600.
Congenital multicore myopathy with external ophthalmoplegia (CMYO1B). Also called: MULTICORE MYOPATHY; Minicore myopathy with external ophthalmoplegia; MULTIMINICORE DISEASE WITH EXTERNAL OPHTHALMOPLEGIA; Congenital myopathy 1B, autosomal recessive; Minicore myopathy. Identifiers: Orphanet 598, Orphanet 98905, MedGen C1850674, MONDO:0009712, OMIM 255320, HP:0003789.

Allele frequency attached by ClinVar (database versions not stated): 1000 Genomes Project 30x 0.00031; 1000 Genomes Project 0.00040; TOPMed 0.00066; ESP Exome Variant Server 0.00069; gnomAD exomes 0.00070 and 0.00107; ExAC 0.00074; gnomAD 0.00078 and 0.00079.
gnomAD v4.1: 1,647 of 1,613,936 alleles (0.1%); highest among the groups gnomAD compares: Non-Finnish European, 0.13%; 2 homozygotes.

Submissions (15):

Ambry Genetics
Classification: Likely benign for Inborn genetic diseases. Last evaluated: 2026-07-01. Review status: criteria provided, single submitter. Criteria: Ambry Variant Classification Scheme 2023. Collection method: clinical testing. Allele origin: germline.

CeGaT Center for Human Genetics Tuebingen
Classification: Likely benign. Last evaluated: 2026-06-01. Review status: criteria provided, single submitter. Criteria: CeGaT Center For Human Genetics Tuebingen Variant Classification Criteria Version 2. Collection method: clinical testing. Allele origin: germline. Affected: yes. Observed: 6 variant alleles.
Comment: RYR1: BP4, BP7

Labcorp Genetics (formerly Invitae), Labcorp
Classification: Benign for RYR1-related disorder. Last evaluated: 2026-01-31. Review status: criteria provided, single submitter. Criteria: Invitae Variant Classification Sherloc (09022015). Collection method: clinical testing. Allele origin: germline.

Blueprint Genetics
Classification: Likely benign. Last evaluated: 2024-10-29. Review status: criteria provided, single submitter. Criteria: ACMG Guidelines, 2015. Collection method: clinical testing. Allele origin: germline.

All of Us Research Program, National Institutes of Health
Classification: Likely benign for Malignant hyperthermia, susceptibility to, 1. Last evaluated: 2024-02-05. Review status: criteria provided, single submitter. Criteria: ACMG Guidelines, 2015. Collection method: clinical testing. Allele origin: germline. Inheritance: Autosomal dominant inheritance. Observed: 238 variant alleles, 238 heterozygotes.
Comment: This study involves interpretation of variants in research participants for the purpose of population health screening. Participant phenotype was not available at the time of variant classification. Additional details can be found in publication PMID: 35346344, PMCID: PMC8962531

ARUP Laboratories, Molecular Genetics and Genomics, ARUP Laboratories
Classification: Likely benign. Last evaluated: 2022-12-30. Review status: criteria provided, single submitter. Criteria: ARUP Molecular Germline Variant Investigation Process 2024. Collection method: clinical testing. Allele origin: germline.

Color Diagnostics, LLC DBA Color Health
Classification: Likely benign for Malignant hyperthermia, susceptibility to, 1. Last evaluated: 2022-04-29. Review status: criteria provided, single submitter. Criteria: ACMG Guidelines, 2015. Collection method: clinical testing. Allele origin: germline.

GeneDx
Classification: Likely benign. Last evaluated: 2021-03-04. Review status: criteria provided, single submitter. Criteria: GeneDx Variant Classification Process June 2021. Collection method: clinical testing. Allele origin: germline. Affected: yes.
Comment: This variant is associated with the following publications: (PMID: 30325262)

Illumina Laboratory Services, Illumina
Classification: Likely benign for Malignant hyperthermia, susceptibility to, 1. Last evaluated: 2018-01-12. Review status: criteria provided, single submitter. Criteria: ICSL Variant Classification Criteria 13 December 2019. Collection method: clinical testing. Allele origin: germline.
Comment: This variant was observed in the ICSL laboratory as part of a predisposition screen in an ostensibly healthy population. It had not been previously curated by ICSL or reported in the Human Gene Mutation Database (HGMD: prior to June 1st, 2018), and was therefore a candidate for classification through an automated scoring system. Utilizing variant allele frequency, disease prevalence and penetrance estimates, and inheritance mode, an automated score was calculated to assess if this variant is too frequent to cause the disease. Based on the score and internal cut-off values, a variant classified as likely benign is not then subjected to further curation. The score for this variant resulted in a classification of likely benign for this disease.

Illumina Laboratory Services, Illumina
Classification: Uncertain significance for Congenital multicore myopathy with external ophthalmoplegia. Last evaluated: 2018-01-12. Review status: criteria provided, single submitter. Criteria: ICSL Variant Classification Criteria 13 December 2019. Collection method: clinical testing. Allele origin: germline.

Eurofins Ntd Llc (ga)
Classification: Uncertain significance. Last evaluated: 2015-06-03. Review status: criteria provided, single submitter. Criteria: EGL Classification Definitions 2015. Collection method: clinical testing. Allele origin: germline. Observed: 2 variant alleles, 2 heterozygotes.

PreventionGenetics, part of Exact Sciences
Classification: Likely benign. Review status: criteria provided, single submitter. Criteria: ACMG Guidelines, 2015. Collection method: clinical testing. Allele origin: germline.

Clinical Genetics DNA and cytogenetics Diagnostics Lab, Erasmus MC, Erasmus Medical Center
Classification: Likely benign. Review status: no assertion criteria provided. Collection method: clinical testing. Allele origin: germline. Affected: yes. Study: VKGL Data-share Consensus. Not counted in ClinVar's aggregate classification.

Genome Diagnostics Laboratory, University Medical Center Utrecht
Classification: Likely benign. Review status: no assertion criteria provided. Collection method: clinical testing. Allele origin: germline. Affected: yes. Study: VKGL Data-share Consensus. Not counted in ClinVar's aggregate classification.

Laboratory of Diagnostic Genome Analysis, Leiden University Medical Center (LUMC)
Classification: Likely benign. Review status: no assertion criteria provided. Collection method: clinical testing. Allele origin: germline. Affected: yes. Study: VKGL Data-share Consensus. Not counted in ClinVar's aggregate classification.